The following is an entry in ClinVar:

NM_005391.5(PDK3):c.596A>G (p.Asp199Gly)

Gene: PDK3 (pyruvate dehydrogenase kinase 3; plus strand). Cytogenetic location: Xp22.11.
Variant type: single nucleotide variant.
Coding change: c.596A>G on transcript NM_005391.5 (MANE Select); coding-DNA position 596, A replaced by G.
Protein change: p.Asp199Gly; replaces aspartic acid 199 with glycine.
Molecular consequence: missense variant.
Genome position (GRCh38, 1-based): chrX:24,518,933, A>G. VCF-style: chrX-24518933-A-G. GRCh37 (hg19) VCF-style: chrX-24537050-A-G.
Other names: c.596A>G, p.Asp199Gly (NM_001142386.3); short protein forms D199G.
Identifiers: ClinVar variation 2198468 (VCV002198468.4), dbSNP rs776972682, ClinGen allele CA10372319.

ClinVar aggregate classification (germline): Uncertain significance (1 of 4 stars; one submission).

Conditions:
Charcot-Marie-Tooth disease X-linked dominant 6. Also called: CHARCOT-MARIE-TOOTH NEUROPATHY, X-LINKED DOMINANT, 6. Identifiers: Orphanet 352675, MedGen C3806702, MONDO:0010479, OMIM 300905.

Allele frequency attached by ClinVar (database versions not stated): gnomAD exomes below 0.00001; ExAC 0.00002; gnomAD 0.00003; TOPMed 0.00006.
gnomAD v4.1: 5 of 1,181,719 alleles (0.00042%); highest among the groups gnomAD compares: African/African-American, 0.0089%; no homozygotes.

Submission:

Labcorp Genetics (formerly Invitae), Labcorp
Classification: Uncertain significance for Charcot-Marie-Tooth disease X-linked dominant 6. Last evaluated: 2022-11-04. Review status: criteria provided, single submitter. Criteria: Invitae Variant Classification Sherloc (09022015). Collection method: clinical testing. Allele origin: germline.
Comment: This variant is present in population databases (rs776972682, gnomAD 0.02%). In summary, the available evidence is currently insufficient to determine the role of this variant in disease. Therefore, it has been classified as a Variant of Uncertain Significance. Algorithms developed to predict the effect of missense changes on protein structure and function are either unavailable or do not agree on the potential impact of this missense change (SIFT: "Deleterious"; PolyPhen-2: "Benign"; Align-GVGD: "Class C15"). This variant has not been reported in the literature in individuals affected with PDK3-related conditions. This sequence change replaces aspartic acid, which is acidic and polar, with glycine, which is neutral and non-polar, at codon 199 of the PDK3 protein (p.Asp199Gly).